The following is an entry in ClinVar:

ClinVar aggregate classification (germline): Uncertain significance (1 of 4 stars; one submission).

Conditions:
Primary dilated cardiomyopathy (DCM). Also called: Dilated Cardiomyopathy. Identifiers: Orphanet 217604, MedGen C0007193, MeSH D002311, MONDO:0005021, HP:0001644. Inheritance: Various modes of inheritance.
Hypertrophic cardiomyopathy. Also called: HYPERTROPHIC MYOCARDIOPATHY. Identifiers: Orphanet 217569, MedGen C0007194, MeSH D002312, MONDO:0005045, HP:0001639.

gnomAD v4.1: 2 of 1,614,208 alleles (0.00012%); highest among the groups gnomAD compares: Non-Finnish European, 0.00017%; no homozygotes.

Submission:

Labcorp Genetics (formerly Invitae), Labcorp
Classification: Uncertain significance for Hypertrophic cardiomyopathy; Primary dilated cardiomyopathy. Last evaluated: 2022-03-02. Review status: criteria provided, single submitter. Criteria: Invitae Variant Classification Sherloc (09022015). Collection method: clinical testing. Allele origin: germline.
Comment: This sequence change replaces histidine, which is basic and polar, with arginine, which is basic and polar, at codon 282 of the PDLIM3 protein (p.His282Arg). This variant is not present in population databases (gnomAD no frequency). This variant has not been reported in the literature in individuals affected with PDLIM3-related conditions. Algorithms developed to predict the effect of missense changes on protein structure and function (SIFT, PolyPhen-2, Align-GVGD) all suggest that this variant is likely to be tolerated. In summary, the available evidence is currently insufficient to determine the role of this variant in disease. Therefore, it has been classified as a Variant of Uncertain Significance.

NM_014476.6(PDLIM3):c.845A>G (p.His282Arg)

Gene: PDLIM3 (PDZ and LIM domain 3; minus strand). Cytogenetic location: 4q35.1.
Variant type: single nucleotide variant.
Coding change: c.845A>G on transcript NM_014476.6 (MANE Select); coding-DNA position 845, A replaced by G.
Protein change: p.His282Arg; replaces histidine 282 with arginine.
Molecular consequence: missense variant. On other transcripts: non-coding transcript variant (1).
Genome position (GRCh38, 1-based): chr4:185,504,535, T>C on the plus strand (A>G on the coding strand, the complement: PDLIM3 is on the minus strand). VCF-style: chr4-185504535-T-C. GRCh37 (hg19) VCF-style: chr4-186425689-T-C.
Other names: c.701A>G, p.His234Arg (NM_001114107.5); c.581A>G, p.His194Arg (NM_001257962.2); c.344A>G, p.His115Arg (NM_001257963.2); short protein forms H282R, H115R, H234R, H194R.
Identifiers: ClinVar variation 2029340 (VCV002029340.4), dbSNP rs2478321190, ClinGen allele CA358921238.